The following is an entry in ClinVar:

ClinVar aggregate classification (germline): Uncertain significance. Review status: criteria provided, multiple submitters, no conflicts (2 of 4 stars). 8 submissions from 8 submitters: Uncertain significance (8). Last evaluated 2026-08-06.

Conditions:
PRKAG2-related disorder. Also called: PRKAG2-related disorders; PRKAG2-related condition.
Cardiovascular phenotype. Identifiers: MedGen CN230736.
PRKAG2 cardiac syndrome.
Lethal congenital glycogen storage disease of heart. Also called: GLYCOGEN STORAGE DISEASE OF HEART; PHOSPHORYLASE KINASE DEFICIENCY OF HEART. Identifiers: Orphanet 439854, MedGen C1849813, MONDO:0009867, OMIM 261740.
Hypertrophic cardiomyopathy 6. Identifiers: MedGen C1833236, MONDO:0010946, OMIM 600858.
Wolff-Parkinson-White pattern. Also called: Auriculoventricular accessory pathway syndrome; False bundle branch block syndrome; Anomalous ventricular excitation syndrome; WPW SYNDROME. Identifiers: MedGen C0043202, MONDO:0008685, OMIM 194200, HP:0001716.
Cardiomyopathy (CMYO). Also called: Cardiomyopathies. Identifiers: Orphanet 167848, MedGen C0878544, MONDO:0004994, HP:0001638. Inheritance: Various modes of inheritance.
Hypertrophic cardiomyopathy. Also called: HYPERTROPHIC MYOCARDIOPATHY. Identifiers: Orphanet 217569, MedGen C0007194, MeSH D002312, MONDO:0005045, HP:0001639.

Allele frequency attached by ClinVar (database versions not stated): TOPMed 0.00004; gnomAD 0.00005; 1000 Genomes Project 30x 0.00016; 1000 Genomes Project 0.00020.
gnomAD v4.1: 21 of 1,613,650 alleles (0.0013%); highest among the groups gnomAD compares: Middle Eastern, 0.016%; no homozygotes.

Submissions (8):

PreventionGenetics, part of Exact Sciences
Classification: Uncertain significance for PRKAG2-related condition. Last evaluated: 2026-08-06. Review status: criteria provided, single submitter. Criteria: ACMG Guidelines, 2015. Collection method: clinical testing. Allele origin: germline.
Comment: The PRKAG2 c.593C>T variant is predicted to result in the amino acid substitution p.Pro198Leu. This variant has been reported in an individual with autism spectrum disorder (Suppl. Data S3, Jiao et al. 2019. PubMed ID: 31838722). Alternate amino acid substitutions at this position (p.Pro198Ala; p.Pro198Arg) have been reported as variant of uncertain significance in individuals with hypertrophic cardiomyopathy or PRKAG2-related conditions (Suppl. Table 4S, Restrepo-Cordoba et al. 2017. PubMed ID: 28138913; Suppl. Table 2, Lopez-Sainz et al. 2020. PubMed ID: 32646569). This variant is reported in 0.0056% of alleles in individuals of Latino descent in gnomAD. At this time, the clinical significance of this variant is uncertain due to the absence of conclusive functional and genetic evidence.

Ambry Genetics
Classification: Uncertain significance for Cardiovascular phenotype. Last evaluated: 2025-08-28. Review status: criteria provided, single submitter. Criteria: Ambry Variant Classification Scheme 2023. Collection method: clinical testing. Allele origin: germline.
Comment: The p.P198L variant (also known as c.593C>T), located in coding exon 4 of the PRKAG2 gene, results from a C to T substitution at nucleotide position 593. The proline at codon 198 is replaced by leucine, an amino acid with similar properties. This alteration has been reported in an autism spectrum disorder cohort that had whole exome sequencing (Jiao J et al. J Mol Neurosci, 2020 Feb;70:219-229). This amino acid position is highly conserved in available vertebrate species. In addition, the in silico prediction for this alteration is inconclusive. Since supporting evidence is limited at this time, the clinical significance of this alteration remains unclear.

Labcorp Genetics (formerly Invitae), Labcorp
Classification: Uncertain significance for Lethal congenital glycogen storage disease of heart. Last evaluated: 2024-12-24. Review status: criteria provided, single submitter. Criteria: Invitae Variant Classification Sherloc (09022015). Collection method: clinical testing. Allele origin: germline.
Comment: This sequence change replaces proline, which is neutral and non-polar, with leucine, which is neutral and non-polar, at codon 198 of the PRKAG2 protein (p.Pro198Leu). This variant is present in population databases (rs41317142, gnomAD 0.004%). This variant has not been reported in the literature in individuals affected with PRKAG2-related conditions. ClinVar contains an entry for this variant (Variation ID: 241096). Invitae Evidence Modeling of protein sequence and biophysical properties (such as structural, functional, and spatial information, amino acid conservation, physicochemical variation, residue mobility, and thermodynamic stability) indicates that this missense variant is not expected to disrupt PRKAG2 protein function with a negative predictive value of 95%. In summary, the available evidence is currently insufficient to determine the role of this variant in disease. Therefore, it has been classified as a Variant of Uncertain Significance.

Color Diagnostics, LLC DBA Color Health
Classification: Uncertain significance for Cardiomyopathy. Last evaluated: 2024-09-30. Review status: criteria provided, single submitter. Criteria: ACMG Guidelines, 2015. Collection method: clinical testing. Allele origin: germline.
Comment: This missense variant replaces proline with leucine at codon 198 of the PRKAG2 protein. Computational prediction suggests that this variant may not impact protein structure and function. To our knowledge, functional studies have not been reported for this variant. This variant has not been reported in individuals affected with PRKAG2-related disorders in the literature. This variant has been identified in 6/282504 chromosomes in the general population by the Genome Aggregation Database (gnomAD). The available evidence is insufficient to determine the role of this variant in disease conclusively. Therefore, this variant is classified as a Variant of Uncertain Significance.

All of Us Research Program, National Institutes of Health
Classification: Uncertain significance for Hypertrophic cardiomyopathy. Last evaluated: 2024-08-07. Review status: criteria provided, single submitter. Criteria: ACMG Guidelines, 2015. Collection method: clinical testing. Allele origin: germline. Inheritance: Autosomal dominant inheritance. Observed: 4 variant alleles, 4 heterozygotes.
Comment: This missense variant replaces proline with leucine at codon 198 of the PRKAG2 protein. Computational prediction suggests that this variant may not impact protein structure and function (internally defined REVEL score threshold <= 0.5, PMID: 27666373). To our knowledge, functional studies have not been reported for this variant. This variant has not been reported in individuals affected with PRKAG2-related disorders in the literature. This variant has been identified in 6/282504 chromosomes in the general population by the Genome Aggregation Database (gnomAD). The available evidence is insufficient to determine the role of this variant in disease conclusively. Therefore, this variant is classified as a Variant of Uncertain Significance.

This study involves interpretation of variants in research participants for the purpose of population health screening. Participant phenotype was not available at the time of variant classification. Additional details can be found in publication PMID: 35346344, PMCID: PMC8962531

Fulgent Genetics
Classification: Uncertain significance for Wolff-Parkinson-White pattern; Lethal congenital glycogen storage disease of heart; Hypertrophic cardiomyopathy 6. Last evaluated: 2021-09-06. Review status: criteria provided, single submitter. Criteria: ACMG Guidelines, 2015. Collection method: clinical testing. Allele origin: unknown.

GeneDx
Classification: Uncertain significance. Last evaluated: 2017-09-08. Review status: criteria provided, single submitter. Criteria: GeneDx Variant Classification (06012015). Collection method: clinical testing. Allele origin: germline. Affected: yes.
Comment: The P198L variant of uncertain significance in the PRKAG2 gene has not been published in association with PRKAG2-related disorders to our knowledge. This variant is also not observed at a significant frequency in large population cohorts (Lek et al., 2016; 1000 Genomes Consortium et al., 2015; Exome Variant Server). Additionally, P198L is a semi-conservative amino acid substitution, which may impact secondary protein structure as these residues differ in some properties. However, this substitution occurs at a position that is not conserved across species and in silico analysis is inconsistent in its predictions as to whether or not the variant is damaging to the protein structure/function. Finally, while another missense variant at the same residue (P198A) has been reported in HGMD in association with HCM (Stenson et al., 2014; Alejandra Restrepo-Cordoba et al., 2017), the clinical significance of this variant also remains to be definitively determined.

Stanford Center for Inherited Cardiovascular Disease, Stanford University
Classification: Uncertain significance. Last evaluated: 2016-06-21. Review status: criteria provided, single submitter. Criteria: ACMG Guidelines, 2015. Collection method: provider interpretation. Allele origin: germline.

Literature cited by the submitters: PubMed 31838722 (cited by Ambry Genetics).

NM_016203.4(PRKAG2):c.593C>T (p.Pro198Leu)

Gene: PRKAG2 (protein kinase AMP-activated non-catalytic subunit gamma 2; minus strand). Cytogenetic location: 7q36.1.
Variant type: single nucleotide variant.
Coding change: c.593C>T on transcript NM_016203.4 (MANE Select); coding-DNA position 593, C replaced by T.
Protein change: p.Pro198Leu; replaces proline 198 with leucine.
Molecular consequence: missense variant.
Genome position (GRCh38, 1-based): chr7:151,675,511, G>A on the plus strand (C>T on the coding strand, the complement: PRKAG2 is on the minus strand). VCF-style: chr7-151675511-G-A. GRCh37 (hg19) VCF-style: chr7-151372597-G-A.
Other names: c.461C>T, p.Pro154Leu (NM_001040633.2); c.221C>T, p.Pro74Leu (NM_001304527.2, NM_001363698.2); short protein forms P198L, P154L, P74L.
Identifiers: ClinVar variation 241096 (VCV000241096.27), dbSNP rs41317142, ClinGen allele CA057639.